The following is an entry in ClinVar:

NM_000368.5(TSC1):c.1462G>C (p.Glu488Gln)

Gene: TSC1 (TSC complex subunit 1; minus strand). Cytogenetic location: 9q34.13.
Variant type: single nucleotide variant.
Coding change: c.1462G>C on transcript NM_000368.5 (MANE Select); coding-DNA position 1462, G replaced by C.
Protein change: p.Glu488Gln; replaces glutamic acid 488 with glutamine.
Molecular consequence: missense variant.
Genome position (GRCh38, 1-based): chr9:132,906,116, C>G on the plus strand (G>C on the coding strand, the complement: TSC1 is on the minus strand). VCF-style: chr9-132906116-C-G. GRCh37 (hg19) VCF-style: chr9-135781503-C-G.
Other names: c.1459G>C, p.Glu487Gln (NM_001162426.2); c.1309G>C, p.Glu437Gln (NM_001162427.2); c.1099G>C, p.Glu367Gln (NM_001362177.2); short protein forms E367Q, E437Q, E487Q, E488Q.
Identifiers: ClinVar variation 1309367 (VCV001309367.3), dbSNP rs118203533, ClinGen allele CA375365533.

ClinVar aggregate classification (germline): Uncertain significance. Review status: criteria provided, multiple submitters, no conflicts (2 of 4 stars). 2 submissions from 2 submitters: Uncertain significance (2). Last evaluated 2025-09-03.

Conditions:
Tuberous sclerosis syndrome (TSC). Also called: Tuberous sclerosis; Tuberous Sclerosis Complex. Identifiers: Orphanet 805, MedGen C0041341, MONDO:0001734.

Submissions (2):

Color Diagnostics, LLC DBA Color Health
Classification: Uncertain significance for Tuberous sclerosis syndrome. Last evaluated: 2025-09-03. Review status: criteria provided, single submitter. Criteria: ACMG Guidelines, 2015. Collection method: clinical testing. Allele origin: germline.
Comment: This missense variant replaces glutamic acid with glutamine at codon 488 of the TSC1 protein. Computational prediction suggests that this variant may not impact protein structure and function. To our knowledge, functional studies have not been reported for this variant. This variant has not been reported in individuals affected with TSC1-related disorders in the literature. This variant has not been identified in the general population by the Genome Aggregation Database (gnomAD). The available evidence is insufficient to determine the role of this variant in disease conclusively. Therefore, this variant is classified as a Variant of Uncertain Significance.

GeneDx
Classification: Uncertain significance. Last evaluated: 2019-10-23. Review status: criteria provided, single submitter. Criteria: GeneDx Variant Classification Process June 2021. Collection method: clinical testing. Allele origin: germline. Affected: yes.
Comment: Not observed in large population cohorts (Lek et al., 2016); In silico analysis, which includes protein predictors and evolutionary conservation, supports that this variant does not alter protein structure/function; Has not been previously published as pathogenic or benign to our knowledge